The following is an entry in ClinVar:

ClinVar aggregate classification (germline): Uncertain significance (1 of 4 stars; one submission).

Conditions:
Cardiovascular phenotype. Identifiers: MedGen CN230736.

Submission:

Ambry Genetics
Classification: Uncertain significance for Cardiovascular phenotype. Last evaluated: 2026-06-06. Review status: criteria provided, single submitter. Criteria: Ambry Variant Classification Scheme 2023. Collection method: clinical testing. Allele origin: germline.
Comment: The p.K34T variant (also known as c.101A>C), located in coding exon 2 of the CACNA2D1 gene, results from an A to C substitution at nucleotide position 101. The lysine at codon 34 is replaced by threonine, an amino acid with similar properties. This amino acid position is conserved. In addition, the in silico prediction for this alteration is inconclusive. Based on the available evidence, the clinical significance of this variant remains unclear.

NM_000722.4(CACNA2D1):c.101A>C (p.Lys34Thr)

Gene: CACNA2D1 (calcium voltage-gated channel auxiliary subunit alpha2delta 1; minus strand). Cytogenetic location: 7q21.11.
Variant type: single nucleotide variant.
Coding change: c.101A>C on transcript NM_000722.4 (MANE Select); coding-DNA position 101, A replaced by C.
Protein change: p.Lys34Thr; replaces lysine 34 with threonine.
Molecular consequence: missense variant.
Genome position (GRCh38, 1-based): chr7:82,349,644, T>G on the plus strand (A>C on the coding strand, the complement: CACNA2D1 is on the minus strand). VCF-style: chr7-82349644-T-G. GRCh37 (hg19) VCF-style: chr7-81978960-T-G.
Other names: c.101A>C, p.Lys34Thr (NM_001302890.2, NM_001366867.1); short protein forms K34T.
Identifiers: ClinVar variation 4868115 (VCV004868115.1).